The following is an entry in ClinVar:

NM_004958.4(MTOR):c.779G>A (p.Arg260Gln)

Gene: MTOR (mechanistic target of rapamycin kinase; minus strand). Cytogenetic location: 1p36.22.
Variant type: single nucleotide variant.
Coding change: c.779G>A on transcript NM_004958.4 (MANE Select); coding-DNA position 779, G replaced by A.
Protein change: p.Arg260Gln; replaces arginine 260 with glutamine.
Molecular consequence: missense variant. On other transcripts: 5 prime UTR variant (1).
Genome position (GRCh38, 1-based): chr1:11,253,900, C>T on the plus strand (G>A on the coding strand, the complement: MTOR is on the minus strand). VCF-style: chr1-11253900-C-T. GRCh37 (hg19) VCF-style: chr1-11313957-C-T.
Other names: c.779G>A, p.Arg260Gln (NM_001386500.1); c.-361G>A (NM_001386501.1); short protein forms R260Q.
Identifiers: ClinVar variation 4799853 (VCV004799853.1).

ClinVar aggregate classification (germline): Uncertain significance (1 of 4 stars; one submission).

Submission:

Labcorp Genetics (formerly Invitae), Labcorp
Classification: Uncertain significance. Last evaluated: 2025-12-05. Review status: criteria provided, single submitter. Criteria: Invitae Variant Classification Sherloc (09022015). Collection method: clinical testing. Allele origin: germline.
Comment: This sequence change replaces arginine, which is basic and polar, with glutamine, which is neutral and polar, at codon 260 of the MTOR protein (p.Arg260Gln). This variant is not present in population databases (gnomAD no frequency). This variant has not been reported in the literature in individuals affected with MTOR-related conditions. Invitae Evidence Modeling of protein sequence and biophysical properties (such as structural, functional, and spatial information, amino acid conservation, physicochemical variation, residue mobility, and thermodynamic stability) indicates that this missense variant is not expected to disrupt MTOR protein function with a negative predictive value of 95%. In summary, the available evidence is currently insufficient to determine the role of this variant in disease. Therefore, it has been classified as a Variant of Uncertain Significance.